The following is an entry in ClinVar:

ClinVar aggregate classification (germline): Uncertain significance (1 of 4 stars; one submission).

Allele frequency attached by ClinVar (database versions not stated): gnomAD 0.00001.

Submission:

Labcorp Genetics (formerly Invitae), Labcorp
Classification: Uncertain significance. Last evaluated: 2022-06-09. Review status: criteria provided, single submitter. Criteria: Invitae Variant Classification Sherloc (09022015). Collection method: clinical testing. Allele origin: germline.
Comment: This sequence change replaces aspartic acid, which is acidic and polar, with asparagine, which is neutral and polar, at codon 3158 of the ZNF469 protein (p.Asp3158Asn). This variant is present in population databases (no rsID available, gnomAD 0.01%). This variant has not been reported in the literature in individuals affected with ZNF469-related conditions. Algorithms developed to predict the effect of missense changes on protein structure and function are either unavailable or do not agree on the potential impact of this missense change (SIFT: "Deleterious"; PolyPhen-2: "Probably Damaging"; Align-GVGD: "Class C0"). In summary, the available evidence is currently insufficient to determine the role of this variant in disease. Therefore, it has been classified as a Variant of Uncertain Significance.

NM_001367624.2(ZNF469):c.9556G>A (p.Asp3186Asn)

Gene: ZNF469 (zinc finger protein 469; plus strand). Cytogenetic location: 16q24.2.
Variant type: single nucleotide variant.
Coding change: c.9556G>A on transcript NM_001367624.2 (MANE Select); coding-DNA position 9556, G replaced by A.
Protein change: p.Asp3186Asn; replaces aspartic acid 3186 with asparagine.
Molecular consequence: missense variant.
Genome position (GRCh38, 1-based): chr16:88,437,026, G>A. VCF-style: chr16-88437026-G-A. GRCh37 (hg19) VCF-style: chr16-88503434-G-A.
Other names: short protein forms D3186N.
Identifiers: ClinVar variation 1923182 (VCV001923182.2), dbSNP rs1230194071, ClinGen allele CA397124216.
Genomic context (GRCh38, chr16:88,437,026, plus strand): 5'-AGGCACGCGCAGAGCAAGGCCGGGCCCTGGGCGTGCGGCATGTGCCTGAAGGAGGTGGCC[G>A]ACGTCTGGATGTACAACGAGCACCTGCGTGAGCACGCGGTCCGCTTCGCCCGCAGGGGGC-3'
Protein context (NP_001354553.1, residues 3176-3196): ACGMCLKEVA[Asp3186Asn]VWMYNEHLRE